The following is an entry in ClinVar:

ClinVar aggregate classification (germline): Pathogenic (1 of 4 stars; one submission).

Conditions:
Hereditary spastic paraplegia 15 (SPG15). Also called: SPASTIC PARAPLEGIA 15, AUTOSOMAL RECESSIVE; KJELLIN SYNDROME; SPASTIC PARAPLEGIA AND RETINAL DEGENERATION. Identifiers: Orphanet 100996, MedGen C1849128, MONDO:0010044, OMIM 270700.

Submission:

Myriad Genetics, Inc.
Classification: Pathogenic for Hereditary spastic paraplegia 15. Last evaluated: 2023-09-27. Review status: criteria provided, single submitter. Criteria: Myriad Autosomal Dominant, Autosomal Recessive and X-Linked Classification Criteria (2023). Collection method: clinical testing. Allele origin: unknown.
Comment: NM_015346.3(ZFYVE26):c.4795C>T(Q1599*) is expected to be pathogenic in the context of spastic paraplegia type 15. This variant is predicted to lead to an abnormal or absent protein product due to the creation of a premature termination codon in ZFYVE26, a gene where loss-of-function variants are known to be pathogenic. Please note: this variant was assessed in the context of healthy population screening.

NM_015346.4(ZFYVE26):c.4795C>T (p.Gln1599Ter)

Gene: ZFYVE26 (zinc finger FYVE-type containing 26; minus strand). Cytogenetic location: 14q24.1.
Variant type: single nucleotide variant.
Coding change: c.4795C>T on transcript NM_015346.4 (MANE Select); coding-DNA position 4795, C replaced by T.
Protein change: p.Gln1599Ter; replaces glutamine 1599 with a stop codon.
Molecular consequence: nonsense.
Genome position (GRCh38, 1-based): chr14:67,778,128, G>A on the plus strand (C>T on the coding strand, the complement: ZFYVE26 is on the minus strand). VCF-style: chr14-67778128-G-A. GRCh37 (hg19) VCF-style: chr14-68244845-G-A.
Other names: short protein forms Q1599*.
Identifiers: ClinVar variation 5011744 (VCV005011744.1).
Genomic context (GRCh38, chr14:67,778,128, plus strand): 5'-ATTTGACTAAACTTCTTGTCCCACCCCAGAAGAAAAATGGAAAGAACTGGGGGCTTACTT[G>A]CAGAGCCTTGTCATGATCTCTTCTTTCTAGAAGGTGGAGAAGATGCTTTTGATGAAGGCT-3'